The following is an entry in ClinVar:

ClinVar aggregate classification (germline): Uncertain significance (1 of 4 stars; one submission).

Conditions:
Hereditary cancer-predisposing syndrome. Also called: Neoplastic Syndromes, Hereditary; Tumor predisposition; Hereditary neoplastic syndrome; Hereditary Cancer Syndrome. Identifiers: Orphanet 140162, MedGen C0027672, MeSH D009386, MONDO:0015356.

Submission:

Ambry Genetics
Classification: Uncertain significance for Hereditary cancer-predisposing syndrome. Last evaluated: 2026-09-08. Review status: criteria provided, single submitter. Criteria: Ambry Variant Classification Scheme 2023. Collection method: clinical testing. Allele origin: germline.
Comment: The p.P911A variant (also known as c.2731C>G), located in coding exon 20 of the KIT gene, results from a C to G substitution at nucleotide position 2731. The proline at codon 911 is replaced by alanine, an amino acid with highly similar properties. This amino acid position is conserved. In addition, this alteration is predicted to be deleterious by in silico analysis. Based on the available evidence, the clinical significance of this variant remains unclear.

NM_000222.3(KIT):c.2731C>G (p.Pro911Ala)

Gene: KIT (KIT proto-oncogene, receptor tyrosine kinase; plus strand). Cytogenetic location: 4q12.
Variant type: single nucleotide variant.
Coding change: c.2731C>G on transcript NM_000222.3 (MANE Select); coding-DNA position 2731, C replaced by G.
Protein change: p.Pro911Ala; replaces proline 911 with alanine.
Molecular consequence: missense variant.
Genome position (GRCh38, 1-based): chr4:54,737,209, C>G. VCF-style: chr4-54737209-C-G. GRCh37 (hg19) VCF-style: chr4-55603375-C-G.
Other names: c.2719C>G, p.Pro907Ala (NM_001093772.2, NM_001385292.1); c.2734C>G, p.Pro912Ala (NM_001385284.1); c.2728C>G, p.Pro910Ala (NM_001385285.1); c.2716C>G, p.Pro906Ala (NM_001385286.1); c.2722C>G, p.Pro908Ala (NM_001385288.1); c.2731C>G, p.Pro911Ala (NM_001385290.1); short protein forms P910A, P912A, P907A, P908A, P911A, P906A.
Identifiers: ClinVar variation 5023346 (VCV005023346.1).